The following is an entry in ClinVar:

ClinVar aggregate classification (germline): Uncertain significance (1 of 4 stars; one submission).

gnomAD v4.1: 137 of 1,614,048 alleles (0.0085%); highest among the groups gnomAD compares: Non-Finnish European, 0.011%; 1 homozygote.

Submission:

GeneDx
Classification: Uncertain significance. Last evaluated: 2026-02-27. Review status: criteria provided, single submitter. Criteria: GeneDx Variant Classification Process June 2021. Collection method: clinical testing. Allele origin: germline.
Comment: In silico analysis suggests that this missense variant does not alter protein structure/function; Identified in a patient with nonsyndromic hearing loss and a second potentially pathogenic variant was not identified in published literature (PMID: 26969326); This variant is associated with the following publications: (PMID: 27375115, 35982159, 26969326, 33057194)

NM_016239.4(MYO15A):c.7679G>A (p.Arg2560Gln)

Gene: MYO15A (myosin XVA; plus strand). Cytogenetic location: 17p11.2.
Variant type: single nucleotide variant.
Coding change: c.7679G>A on transcript NM_016239.4 (MANE Select); coding-DNA position 7679, G replaced by A.
Protein change: p.Arg2560Gln; replaces arginine 2560 with glutamine.
Molecular consequence: missense variant.
Genome position (GRCh38, 1-based): chr17:18,151,419, G>A. VCF-style: chr17-18151419-G-A. GRCh37 (hg19) VCF-style: chr17-18054733-G-A.
Other names: short protein forms R2560Q.
Identifiers: ClinVar variation 4887853 (VCV004887853.1).